The following is an entry in ClinVar:

NM_001040108.2(MLH3):c.554T>C (p.Ile185Thr)

Gene: MLH3 (mutL homolog 3; minus strand). Cytogenetic location: 14q24.3.
Variant type: single nucleotide variant.
Coding change: c.554T>C on transcript NM_001040108.2 (MANE Select); coding-DNA position 554, T replaced by C.
Protein change: p.Ile185Thr; replaces isoleucine 185 with threonine.
Molecular consequence: missense variant.
Genome position (GRCh38, 1-based): chr14:75,049,102, A>G on the plus strand (T>C on the coding strand, the complement: MLH3 is on the minus strand). VCF-style: chr14-75049102-A-G. GRCh37 (hg19) VCF-style: chr14-75515805-A-G.
Other names: c.554T>C, p.Ile185Thr (NM_014381.3); short protein forms I185T.
Identifiers: ClinVar variation 2625665 (VCV002625665.2), dbSNP rs2503324088, ClinGen allele CA390449904.

ClinVar aggregate classification (germline): Uncertain significance (1 of 4 stars; one submission).

Submission:

Ambry Genetics
Classification: Uncertain significance. Last evaluated: 2023-08-25. Review status: criteria provided, single submitter. Criteria: Ambry Variant Classification Scheme 2023. Collection method: clinical testing. Allele origin: germline.
Comment: The p.I185T variant (also known as c.554T>C), located in coding exon 1 of the MLH3 gene, results from a T to C substitution at nucleotide position 554. The isoleucine at codon 185 is replaced by threonine, an amino acid with similar properties. This amino acid position is conserved. In addition, this alteration is predicted to be deleterious by in silico analysis. Since supporting evidence is limited at this time, the clinical significance of this alteration remains unclear.